The following is an entry in ClinVar:

NM_005732.4(RAD50):c.2728G>A (p.Glu910Lys)

Gene: RAD50 (RAD50 double strand break repair protein; plus strand). Cytogenetic location: 5q31.1.
Variant type: single nucleotide variant.
Coding change: c.2728G>A on transcript NM_005732.4 (MANE Select); coding-DNA position 2728, G replaced by A.
Protein change: p.Glu910Lys; replaces glutamic acid 910 with lysine.
Molecular consequence: missense variant.
Genome position (GRCh38, 1-based): chr5:132,608,624, G>A. VCF-style: chr5-132608624-G-A. GRCh37 (hg19) VCF-style: chr5-131944316-G-A.
Other names: short protein forms E910K.
Identifiers: ClinVar variation 3429524 (VCV003429524.1).

ClinVar aggregate classification (germline): Uncertain significance (1 of 4 stars; one submission).

Conditions:
Hereditary cancer-predisposing syndrome. Also called: Neoplastic Syndromes, Hereditary; Tumor predisposition; Hereditary Cancer Syndrome; Hereditary neoplastic syndrome. Identifiers: Orphanet 140162, MedGen C0027672, MeSH D009386, MONDO:0015356.

Submission:

Ambry Genetics
Classification: Uncertain significance for Hereditary cancer-predisposing syndrome. Last evaluated: 2024-11-02. Review status: criteria provided, single submitter. Criteria: Ambry Variant Classification Scheme 2023. Collection method: clinical testing. Allele origin: germline.
Comment: The p.E910K variant (also known as c.2728G>A), located in coding exon 17 of the RAD50 gene, results from a G to A substitution at nucleotide position 2728. The glutamic acid at codon 910 is replaced by lysine, an amino acid with similar properties. This amino acid position is conserved. In addition, the in silico prediction for this alteration is inconclusive. Based on the available evidence, the clinical significance of this variant remains unclear.